The following is an entry in ClinVar:

NM_153676.4(USH1C):c.1186C>G (p.Pro396Ala)

Gene: USH1C (USH1 protein network component harmonin; minus strand). Cytogenetic location: 11p15.1.
Variant type: single nucleotide variant.
Coding change: c.1186C>G on transcript NM_153676.4 (MANE Select); coding-DNA position 1186, C replaced by G.
Protein change: p.Pro396Ala; replaces proline 396 with alanine.
Molecular consequence: missense variant. On other transcripts: non-coding transcript variant (1).
Genome position (GRCh38, 1-based): chr11:17,520,894, G>C on the plus strand (C>G on the coding strand, the complement: USH1C is on the minus strand). VCF-style: chr11-17520894-G-C. GRCh37 (hg19) VCF-style: chr11-17542441-G-C.
Other names: c.1129C>G, p.Pro377Ala (NM_001297764.2); c.1186C>G, p.Pro396Ala (NM_005709.4); c.1186C>G (NM_005709.3); short protein forms P396A, P377A.
Identifiers: ClinVar variation 1515584 (VCV001515584.9), dbSNP rs1850381453, ClinGen allele CA379784262.

ClinVar aggregate classification (germline): Uncertain significance. Review status: criteria provided, single submitter (1 of 4 stars). 2 submissions from 2 submitters: Uncertain significance (1). 1 of the submissions does not count toward it. Last evaluated 2022-03-10.

Conditions:
Usher syndrome type 1C. Also called: USHER SYNDROME, TYPE I, ACADIAN VARIETY. Identifiers: Orphanet 231169, Orphanet 886, MedGen C1848604, MONDO:0010171, OMIM 276904.

Submissions (2):

Labcorp Genetics (formerly Invitae), Labcorp
Classification: Uncertain significance. Last evaluated: 2022-03-10. Review status: criteria provided, single submitter. Criteria: Invitae Variant Classification Sherloc (09022015). Collection method: clinical testing. Allele origin: germline.
Comment: This variant is not present in population databases (gnomAD no frequency). In summary, the available evidence is currently insufficient to determine the role of this variant in disease. Therefore, it has been classified as a Variant of Uncertain Significance. Algorithms developed to predict the effect of missense changes on protein structure and function (SIFT, PolyPhen-2, Align-GVGD) all suggest that this variant is likely to be tolerated. This variant has not been reported in the literature in individuals affected with USH1C-related conditions. This sequence change replaces proline, which is neutral and non-polar, with alanine, which is neutral and non-polar, at codon 396 of the USH1C protein (p.Pro396Ala).

Natera, Inc.
Classification: Uncertain significance for Usher syndrome type 1C. Last evaluated: 2025-03-13. Review status: no assertion criteria provided. Collection method: clinical testing. Allele origin: germline. Not counted in ClinVar's aggregate classification.